The following is an entry in ClinVar:

ClinVar aggregate classification (germline): Uncertain significance. Review status: criteria provided, multiple submitters, no conflicts (2 of 4 stars). 4 submissions from 4 submitters: Uncertain significance (4). Last evaluated 2025-08-05.

Conditions:
Inborn genetic diseases. Identifiers: MedGen C0950123, MeSH D030342.
Pigmentary retinal dystrophy. Also called: Fundus albipunctatus. Identifiers: Orphanet 227796, Orphanet 52427, MedGen C0311338, MONDO:0007639, OMIM 136880, HP:0030642.

Allele frequency attached by ClinVar (database versions not stated): gnomAD exomes 0.00012 and 0.00015; ExAC 0.00017; gnomAD 0.00039 and 0.00041; ESP Exome Variant Server 0.00054; TOPMed 0.00054; 1000 Genomes Project 30x 0.00078; 1000 Genomes Project 0.00080.
gnomAD v4.1: 229 of 1,608,496 alleles (0.014%); highest among the groups gnomAD compares: African/African-American, 0.13%; 1 homozygote.

Submissions (4):

Ambry Genetics
Classification: Uncertain significance for Inborn genetic diseases. Last evaluated: 2025-08-05. Review status: criteria provided, single submitter. Criteria: Ambry Variant Classification Scheme 2023. Collection method: clinical testing. Allele origin: germline.

3billion
Classification: Uncertain significance for Pigmentary retinal dystrophy. Last evaluated: 2024-12-13. Review status: criteria provided, single submitter. Criteria: ACMG Guidelines, 2015. Collection method: clinical testing. Allele origin: germline. Affected: yes.

Labcorp Genetics (formerly Invitae), Labcorp
Classification: Uncertain significance. Last evaluated: 2024-12-09. Review status: criteria provided, single submitter. Criteria: Invitae Variant Classification Sherloc (09022015). Collection method: clinical testing. Allele origin: germline.
Comment: This sequence change replaces valine, which is neutral and non-polar, with isoleucine, which is neutral and non-polar, at codon 100 of the RDH5 protein (p.Val100Ile). This variant is present in population databases (rs151104839, gnomAD 0.1%). This variant has not been reported in the literature in individuals affected with RDH5-related conditions. ClinVar contains an entry for this variant (Variation ID: 1045234). Invitae Evidence Modeling of protein sequence and biophysical properties (such as structural, functional, and spatial information, amino acid conservation, physicochemical variation, residue mobility, and thermodynamic stability) indicates that this missense variant is not expected to disrupt RDH5 protein function with a negative predictive value of 80%. In summary, the available evidence is currently insufficient to determine the role of this variant in disease. Therefore, it has been classified as a Variant of Uncertain Significance.

Blueprint Genetics
Classification: Uncertain significance. Last evaluated: 2024-10-22. Review status: criteria provided, single submitter. Criteria: ACMG Guidelines, 2015. Collection method: clinical testing. Allele origin: germline.

NM_002905.5(RDH5):c.298G>A (p.Val100Ile)

Genes: BLOC1S1-RDH5 (BLOC1S1-RDH5 readthrough; plus strand), RDH5 (retinol dehydrogenase 5; plus strand). Cytogenetic location: 12q13.2.
Variant type: single nucleotide variant.
Coding change: c.298G>A on transcript NM_002905.5 (MANE Select); coding-DNA position 298, G replaced by A.
Protein change: p.Val100Ile; replaces valine 100 with isoleucine.
Molecular consequence: missense variant.
Genome position (GRCh38, 1-based): chr12:55,721,482, G>A. VCF-style: chr12-55721482-G-A. GRCh37 (hg19) VCF-style: chr12-56115266-G-A.
Other names: c.298G>A, p.Val100Ile (NM_001199771.3); c.298G>A (NM_002905.3); short protein forms V100I.
Identifiers: ClinVar variation 1045234 (VCV001045234.8), dbSNP rs151104839, ClinGen allele CA6616788.
Genomic context (GRCh38, chr12:55,721,482, plus strand): 5'-CTGTTGGATATCACTGATCCCCAGAGCGTCCAGCAGGCAGCCAAGTGGGTGGAGATGCAC[G>A]TTAAGGAAGCAGGTAAGTATGGTAGACCACCAGGAATATGGTGTGGGGTGTCCTGATCCC-3'
Protein context (NP_002896.2, residues 90-110): QQAAKWVEMH[Val100Ile]KEAGLFGLVN